The following is an entry in ClinVar:

ClinVar aggregate classification (germline): Uncertain significance. Review status: criteria provided, multiple submitters, no conflicts (2 of 4 stars). 6 submissions from 6 submitters: Uncertain significance (6). Last evaluated 2025-12-15.

Conditions:
Myofibrillar myopathy 2. Also called: MYOPATHY, DESMIN-RELATED, ASSOCIATED WITH MUTATION IN THE CRYAB GENE; MYOPATHY, MYOFIBRILLAR, ALPHA-B CRYSTALLIN-RELATED; MYOPATHY, MYOFIBRILLAR, 2A, ADULT-ONSET; MYOPATHY, MYOFIBRILLAR, WITH OR WITHOUT CATARACT AND/OR CARDIOMYOPATHY. Identifiers: Orphanet 280553, Orphanet 399058, MedGen C1837317, MONDO:0012130.
Fatal infantile hypertonic myofibrillar myopathy (MFM2B). Also called: MFM, FATAL INFANTILE HYPERTONIC, ALPHA-B CRYSTALLIN-RELATED; MYOPATHY, MYOFIBRILLAR, 2B, INFANTILE-ONSET. Identifiers: Orphanet 280553, MedGen C5190691, MONDO:0013472, OMIM 613869.
Cataract 16 multiple types. Also called: CATARACT, CONGENITAL LAMELLAR; CATARACT 16, CONGENITAL LAMELLAR; CATARACT 16, POSTERIOR POLAR. Identifiers: Orphanet 91492, Orphanet 98992, Orphanet 98993, Orphanet 98995, MedGen C3808377, MONDO:0013411, OMIM 613763.
Dilated cardiomyopathy 1II (CMD1II). Identifiers: Orphanet 154, MedGen C3554649, MONDO:0014073, OMIM 615184.
Cardiovascular phenotype. Identifiers: MedGen CN230736.

Allele frequency attached by ClinVar (database versions not stated): ExAC 0.00001; gnomAD exomes 0.00002; gnomAD 0.00003; TOPMed 0.00004.
gnomAD v4.1: 40 of 1,608,564 alleles (0.0025%); highest among the groups gnomAD compares: Middle Eastern, 0.016%; no homozygotes.

Submissions (6):

Labcorp Genetics (formerly Invitae), Labcorp
Classification: Uncertain significance for Dilated cardiomyopathy 1II. Last evaluated: 2025-12-15. Review status: criteria provided, single submitter. Criteria: Invitae Variant Classification Sherloc (09022015). Collection method: clinical testing. Allele origin: germline.
Comment: This sequence change replaces arginine, which is basic and polar, with histidine, which is basic and polar, at codon 22 of the CRYAB protein (p.Arg22His). The frequency data for this variant in the population databases is considered unreliable, as metrics indicate poor data quality at this position in the gnomAD database. This variant has not been reported in the literature in individuals affected with CRYAB-related conditions. ClinVar contains an entry for this variant (Variation ID: 569482). An algorithm developed to predict the effect of missense changes on protein structure and function (PolyPhen-2) suggests that this variant is likely to be disruptive. In summary, the available evidence is currently insufficient to determine the role of this variant in disease. Therefore, it has been classified as a Variant of Uncertain Significance.

Women's Health and Genetics/Laboratory Corporation of America, LabCorp
Classification: Uncertain significance. Last evaluated: 2025-07-18. Review status: criteria provided, single submitter. Criteria: LabCorp Variant Classification Summary - May 2015. Collection method: clinical testing. Allele origin: germline.
Comment: Variant summary: CRYAB c.65G>A (p.Arg22His) results in a non-conservative amino acid change in the encoded protein sequence. Algorithms developed to predict the effect of missense changes on protein structure and function all suggest that this variant is likely to be disruptive. The variant allele was found at a frequency of 1.7e-05 in 238858 control chromosomes. The available data on variant occurrences in the general population are insufficient to allow any conclusion about variant significance. To our knowledge, no occurrence of c.65G>A in individuals affected with Cardiomyopathy and no experimental evidence demonstrating its impact on protein function have been reported. ClinVar contains an entry for this variant (Variation ID: 569482). Based on the evidence outlined above, the variant was classified as uncertain significance.

Mayo Clinic Laboratories, Mayo Clinic
Classification: Uncertain significance. Last evaluated: 2025-02-20. Review status: criteria provided, single submitter. Criteria: ACMG Guidelines, 2015. Collection method: clinical testing. Allele origin: germline. Observed: 1 variant allele.
Comment: PP3_moderate

Ambry Genetics
Classification: Uncertain significance for Cardiovascular phenotype. Last evaluated: 2024-12-09. Review status: criteria provided, single submitter. Criteria: Ambry Variant Classification Scheme 2023. Collection method: clinical testing. Allele origin: germline.
Comment: The p.R22H variant (also known as c.65G>A), located in coding exon 1 of the CRYAB gene, results from a G to A substitution at nucleotide position 65. The arginine at codon 22 is replaced by histidine, an amino acid with highly similar properties. This amino acid position is highly conserved in available vertebrate species. In addition, this alteration is predicted to be deleterious by in silico analysis. Based on the available evidence, the clinical significance of this variant remains unclear.

GeneDx
Classification: Uncertain significance. Last evaluated: 2022-04-05. Review status: criteria provided, single submitter. Criteria: GeneDx Variant Classification Process June 2021. Collection method: clinical testing. Allele origin: germline. Affected: yes.
Comment: Has not been published as pathogenic or benign to our knowledge; Reported in ClinVar but additional evidence is not available (ClinVar Variant ID#569482; Marcos et al., 2020); In silico analysis supports that this missense variant has a deleterious effect on protein structure/function; This variant is associated with the following publications: (PMID: 32420686)

Fulgent Genetics
Classification: Uncertain significance for Cataract 16 multiple types; Fatal infantile hypertonic myofibrillar myopathy; Dilated cardiomyopathy 1II. Last evaluated: 2021-11-22. Review status: criteria provided, single submitter. Criteria: ACMG Guidelines, 2015. Collection method: clinical testing. Allele origin: unknown.

Literature cited by the submitters: PubMed 32420686 (cited by Mayo Clinic Laboratories, Mayo Clinic).

NM_001289808.2(CRYAB):c.65G>A (p.Arg22His)

Gene: CRYAB (crystallin alpha B; minus strand). Cytogenetic location: 11q23.1.
Variant type: single nucleotide variant.
Coding change: c.65G>A on transcript NM_001289808.2 (MANE Select); coding-DNA position 65, G replaced by A.
Protein change: p.Arg22His; replaces arginine 22 with histidine.
Molecular consequence: missense variant.
Genome position (GRCh38, 1-based): chr11:111,911,660, C>T on the plus strand (G>A on the coding strand, the complement: CRYAB is on the minus strand). VCF-style: chr11-111911660-C-T. GRCh37 (hg19) VCF-style: chr11-111782384-C-T.
Other names: p.Arg22His; c.65G>A, p.Arg22His (NM_001289807.1, NM_001368245.1, NM_001885.3); short protein forms R22H.
Identifiers: ClinVar variation 569482 (VCV000569482.12), dbSNP rs782316391, ClinGen allele CA6275578.